The following is an entry in ClinVar:

ClinVar aggregate classification (germline): Uncertain significance (1 of 4 stars; one submission).

Conditions:
Charcot-Marie-Tooth disease axonal type 2S. Also called: CHARCOT-MARIE-TOOTH DISEASE, AXONAL, AUTOSOMAL RECESSIVE, TYPE 2S; CHARCOT-MARIE-TOOTH NEUROPATHY, TYPE 2S. Identifiers: Orphanet 443073, MedGen C4015349, MONDO:0014511, OMIM 616155.
Autosomal recessive distal spinal muscular atrophy 1. Also called: SEVERE INFANTILE AXONAL NEUROPATHY WITH RESPIRATORY FAILURE; SPINAL MUSCULAR ATROPHY, DIAPHRAGMATIC; Spinal muscular atrophy with respiratory distress 1; HMN VI; NEURONOPATHY, SEVERE INFANTILE AXONAL, WITH RESPIRATORY FAILURE; NEURONOPATHY, DISTAL HEREDITARY MOTOR, HARDING TYPE VI. Identifiers: Orphanet 98920, MedGen C1858517, MONDO:0011436, OMIM 604320.

Submission:

Labcorp Genetics (formerly Invitae), Labcorp
Classification: Uncertain significance for Autosomal recessive distal spinal muscular atrophy 1; Charcot-Marie-Tooth disease axonal type 2S. Last evaluated: 2021-12-22. Review status: criteria provided, single submitter. Criteria: Invitae Variant Classification Sherloc (09022015). Collection method: clinical testing. Allele origin: germline.
Comment: This sequence change replaces isoleucine, which is neutral and non-polar, with asparagine, which is neutral and polar, at codon 387 of the IGHMBP2 protein (p.Ile387Asn). This variant is not present in population databases (gnomAD no frequency). This variant has not been reported in the literature in individuals affected with IGHMBP2-related conditions. Advanced modeling of protein sequence and biophysical properties (such as structural, functional, and spatial information, amino acid conservation, physicochemical variation, residue mobility, and thermodynamic stability) performed at Invitae indicates that this missense variant is expected to disrupt IGHMBP2 protein function. In summary, the available evidence is currently insufficient to determine the role of this variant in disease. Therefore, it has been classified as a Variant of Uncertain Significance.

NM_002180.3(IGHMBP2):c.1160T>A (p.Ile387Asn)

Gene: IGHMBP2 (immunoglobulin mu DNA binding protein 2; plus strand). Cytogenetic location: 11q13.3.
Variant type: single nucleotide variant.
Coding change: c.1160T>A on transcript NM_002180.3 (MANE Select); coding-DNA position 1160, T replaced by A.
Protein change: p.Ile387Asn; replaces isoleucine 387 with asparagine.
Molecular consequence: missense variant.
Genome position (GRCh38, 1-based): chr11:68,929,282, T>A. VCF-style: chr11-68929282-T-A. GRCh37 (hg19) VCF-style: chr11-68696750-T-A.
Other names: short protein forms I387N.
Identifiers: ClinVar variation 2052797 (VCV002052797.4), dbSNP rs2496034104, ClinGen allele CA381647614.